The following is an entry in ClinVar:

NM_015978.3(TNNI3K):c.41A>G (p.Asp14Gly)

Genes: FPGT-TNNI3K (FPGT-TNNI3K readthrough; plus strand), TNNI3K (TNNI3 interacting kinase; plus strand). Cytogenetic location: 1p31.1.
Variant type: single nucleotide variant.
Coding change: c.41A>G on transcript NM_015978.3 (MANE Select); coding-DNA position 41, A replaced by G.
Protein change: p.Asp14Gly; replaces aspartic acid 14 with glycine.
Molecular consequence: missense variant.
Genome position (GRCh38, 1-based): chr1:74,236,102, A>G. VCF-style: chr1-74236102-A-G. GRCh37 (hg19) VCF-style: chr1-74701786-A-G.
Other names: c.344A>G, p.Asp115Gly (NM_001112808.3, NM_001199327.2); short protein forms D115G, D14G.
Identifiers: ClinVar variation 2797766 (VCV002797766.3), dbSNP rs2524307164, ClinGen allele CA340786872.

ClinVar aggregate classification (germline): Uncertain significance (1 of 4 stars; one submission).

Submission:

Labcorp Genetics (formerly Invitae), Labcorp
Classification: Uncertain significance. Last evaluated: 2023-09-13. Review status: criteria provided, single submitter. Criteria: Invitae Variant Classification Sherloc (09022015). Collection method: clinical testing. Allele origin: germline.
Comment: This sequence change replaces aspartic acid, which is acidic and polar, with glycine, which is neutral and non-polar, at codon 14 of the TNNI3K protein (p.Asp14Gly). An algorithm developed to predict the effect of missense changes on protein structure and function (PolyPhen-2) suggests that this variant is likely to be disruptive. In summary, the available evidence is currently insufficient to determine the role of this variant in disease. Therefore, it has been classified as a Variant of Uncertain Significance. This variant is not present in population databases (gnomAD no frequency). This variant has not been reported in the literature in individuals affected with TNNI3K-related conditions.